The following is an entry in ClinVar:

NM_000051.4(ATM):c.5763-6C>T

Genes: C11orf65 (chromosome 11 open reading frame 65; minus strand), ATM (ATM serine/threonine kinase; plus strand). Cytogenetic location: 11q22.3.
Variant type: single nucleotide variant.
Coding change: c.5763-6C>T on transcript NM_000051.4 (MANE Select); 6 bases into the intron before coding-DNA position 5763, C replaced by T.
Molecular consequence: intron variant.
Genome position (GRCh38, 1-based): chr11:108,310,154, C>T. VCF-style: chr11-108310154-C-T. GRCh37 (hg19) VCF-style: chr11-108180881-C-T.
Other names: c.5763-6C>T (NM_001351834.2); c.641-1083G>A (NM_001330368.2); c.*39-1083G>A (NM_001351110.2).
Identifiers: ClinVar variation 3254119 (VCV003254119.1), dbSNP rs2136010757.

ClinVar aggregate classification (germline): Likely benign (1 of 4 stars; one submission).

Conditions:
Familial cancer of breast. Also called: hereditary breast carcinoma; BREAST CANCER, FAMILIAL; Hereditary breast cancer. Identifiers: Orphanet 227535, MedGen C0346153, MONDO:0016419, OMIM 114480. Disease mechanism: loss of function.

Submission:

Myriad Genetics, Inc.
Classification: Likely benign for Familial cancer of breast. Last evaluated: 2024-05-24. Review status: criteria provided, single submitter. Criteria: Myriad Autosomal Dominant, Autosomal Recessive and X-Linked Classification Criteria (2023). Collection method: clinical testing. Allele origin: unknown.
Comment: This variant is considered likely benign. This variant is intronic and is not expected to impact mRNA splicing.